The following is an entry in ClinVar:

ClinVar aggregate classification (germline): Pathogenic. Review status: criteria provided, multiple submitters, no conflicts (2 of 4 stars). 2 submissions from 2 submitters: Pathogenic (2). Last evaluated 2024-08-08.

Conditions:
X-linked Alport syndrome (ATS1). Also called: COL4A5-Related Nephropathy; NEPHROPATHY AND DEAFNESS, X-LINKED. Identifiers: Orphanet 63, Orphanet 88917, MedGen C4746986, MONDO:0010520, OMIM 301050.

Submissions (3):

Labcorp Genetics (formerly Invitae), Labcorp
Classification: Pathogenic. Last evaluated: 2024-08-08. Review status: criteria provided, single submitter. Criteria: Invitae Variant Classification Sherloc (09022015). Collection method: clinical testing. Allele origin: germline.
Comment: This sequence change affects a donor splice site in intron 48 of the COL4A5 gene. It is expected to disrupt RNA splicing. Variants that disrupt the donor or acceptor splice site typically lead to a loss of protein function (PMID: 16199547), and loss-of-function variants in COL4A5 are known to be pathogenic (PMID: 9195222, 10752524, 14514738, 24854265, 26809805). This variant is not present in population databases (gnomAD no frequency). Disruption of this splice site has been observed in individuals with Alport syndrome (PMID: 26809805, 29854973, 36805600). ClinVar contains an entry for this variant (Variation ID: 1073265). Algorithms developed to predict the effect of sequence changes on RNA splicing suggest that this variant may disrupt the consensus splice site. For these reasons, this variant has been classified as Pathogenic.

Precision Medicine Center, Zhengzhou University
Classification: Pathogenic for X-linked Alport syndrome. Review status: criteria provided, single submitter. Criteria: ACMG Guidelines, 2015. Collection method: research. Allele origin: germline. Affected: yes.
Comment: PVS1:Null variant in the gene with established LOF as a disease mechanism PM2:not found in gnomAD PP3:Multiple lines of computational evidence support a deleterious effect on the gene or gene product

Dr. Peter K. Rogan Lab, Western University
No classification provided (evidence only). Condition: Nonpapillary renal cell carcinoma. Review status: no classification provided. Collection method: in vitro. Allele origin: not applicable. Functional consequence: retained intron. Not counted in ClinVar's aggregate classification.

Literature cited by the submitters: PubMed 16199547 (cited by Labcorp Genetics (formerly Invitae), Labcorp); PubMed 9195222 (cited by Labcorp Genetics (formerly Invitae), Labcorp); PubMed 10752524 (cited by Labcorp Genetics (formerly Invitae), Labcorp); PubMed 14514738 (cited by Labcorp Genetics (formerly Invitae), Labcorp); PubMed 24854265 (cited by Labcorp Genetics (formerly Invitae), Labcorp); PubMed 26809805 (cited by Labcorp Genetics (formerly Invitae), Labcorp); PubMed 29854973 (cited by Labcorp Genetics (formerly Invitae), Labcorp); PubMed 36805600 (cited by Labcorp Genetics (formerly Invitae), Labcorp).

NM_033380.3(COL4A5):c.4706+2T>C

Gene: COL4A5 (collagen type IV alpha 5 chain; plus strand). Cytogenetic location: Xq22.3.
Variant type: single nucleotide variant.
Coding change: c.4706+2T>C on transcript NM_033380.3 (MANE Select); the canonical splice donor site of the intron after coding-DNA position 4706, T replaced by C.
Molecular consequence: splice donor variant.
Genome position (GRCh38, 1-based): chrX:108,692,927, T>C. VCF-style: chrX-108692927-T-C. GRCh37 (hg19) VCF-style: chrX-107936157-T-C.
Other names: c.4688+2T>C (NM_000495.5).
Identifiers: ClinVar variation 1073265 (VCV001073265.8), dbSNP rs2147998807, ClinGen allele CA414132378.